The following is an entry in ClinVar:

ClinVar aggregate classification (germline): Likely benign. Review status: criteria provided, multiple submitters, no conflicts (2 of 4 stars). 3 submissions from 3 submitters: Likely benign (3). Last evaluated 2026-01-08.

Conditions:
Myopathy, centronuclear, 2 (CNM2). Also called: MYOTUBULAR MYOPATHY, AUTOSOMAL RECESSIVE. Identifiers: Orphanet 169186, MedGen CN031787, MONDO:0009709, OMIM 255200.

Allele frequency attached by ClinVar (database versions not stated): gnomAD 0.00003 and 0.00004; gnomAD exomes 0.00006; TOPMed 0.00006; ExAC 0.00008.
gnomAD v4.1: 124 of 1,613,878 alleles (0.0077%); highest among the groups gnomAD compares: Middle Eastern, 0.016%; no homozygotes.

Submissions (3):

Labcorp Genetics (formerly Invitae), Labcorp
Classification: Likely benign for Myopathy, centronuclear, 2. Last evaluated: 2026-01-08. Review status: criteria provided, single submitter. Criteria: Invitae Variant Classification Sherloc (09022015). Collection method: clinical testing. Allele origin: germline.

Blueprint Genetics
Classification: Likely benign. Last evaluated: 2024-09-04. Review status: criteria provided, single submitter. Criteria: ACMG Guidelines, 2015. Collection method: clinical testing. Allele origin: germline.

GeneDx
Classification: Likely benign. Last evaluated: 2018-02-27. Review status: criteria provided, single submitter. Criteria: GeneDx Variant Classification (06012015). Collection method: clinical testing. Allele origin: germline. Affected: yes.
Comment: This variant is considered likely benign or benign based on one or more of the following criteria: it is a conservative change, it occurs at a poorly conserved position in the protein, it is predicted to be benign by multiple in silico algorithms, and/or has population frequency not consistent with disease.

NM_139343.3(BIN1):c.1573-14C>T

Gene: BIN1 (bridging integrator 1; minus strand). Cytogenetic location: 2q14.3.
Variant type: single nucleotide variant.
Coding change: c.1573-14C>T on transcript NM_139343.3 (MANE Select); 14 bases into the intron before coding-DNA position 1573, C replaced by T.
Molecular consequence: intron variant.
Genome position (GRCh38, 1-based): chr2:127,050,536, G>A on the plus strand (C>T on the coding strand, the complement: BIN1 is on the minus strand). VCF-style: chr2-127050536-G-A. GRCh37 (hg19) VCF-style: chr2-127808112-G-A.
Other names: c.1492-14C>T (NM_001320642.1); c.949-14C>T (NM_001320634.1); c.1021-14C>T (NM_139351.3); c.1111-14C>T (NM_139350.3); c.1219-14C>T (NM_139349.3); c.1240-14C>T (NM_139348.3); c.1348-14C>T (NM_139347.3); c.1480-14C>T (NM_001320641.2); and 7 more.
Identifiers: ClinVar variation 515727 (VCV000515727.9), dbSNP rs760955602, ClinGen allele CA1856979.
Genomic context (GRCh38, chr2:127,050,536, plus strand): 5'-TGCAGCTCGTCTGTGTCAGTGGCCGTGTAGTCGTGCTGGGCCTGTACCTGCAGAGGATGC[G>A]GATCGCAAGTCAGACCTTCCGTCCCACCTCCAGCCCTGCACAGAGCACGGGCCTTGCGTG-3'